The following is an entry in ClinVar:

ClinVar aggregate classification (germline): Uncertain significance (1 of 4 stars; one submission).

Allele frequency attached by ClinVar (database versions not stated): gnomAD exomes 0.00001 and 0.00002; ExAC 0.00003; gnomAD 0.00004; 1000 Genomes Project 30x 0.00016; 1000 Genomes Project 0.00020.
gnomAD v4.1: 21 of 1,614,178 alleles (0.0013%); highest among the groups gnomAD compares: African/African-American, 0.004%; no homozygotes.

Submission:

Labcorp Genetics (formerly Invitae), Labcorp
Classification: Uncertain significance. Last evaluated: 2025-06-24. Review status: criteria provided, single submitter. Criteria: Invitae Variant Classification Sherloc (09022015). Collection method: clinical testing. Allele origin: germline.
Comment: This sequence change replaces methionine, which is neutral and non-polar, with valine, which is neutral and non-polar, at codon 502 of the VCAN protein (p.Met502Val). This variant is present in population databases (rs138021051, gnomAD 0.01%). This variant has not been reported in the literature in individuals affected with VCAN-related conditions. ClinVar contains an entry for this variant (Variation ID: 1486483). An algorithm developed to predict the effect of missense changes on protein structure and function outputs the following: PolyPhen-2: "Benign". The valine amino acid residue is found in multiple mammalian species, which suggests that this missense change does not adversely affect protein function. In summary, the available evidence is currently insufficient to determine the role of this variant in disease. Therefore, it has been classified as a Variant of Uncertain Significance.

NM_004385.5(VCAN):c.1504A>G (p.Met502Val)

Gene: VCAN (versican; plus strand). Cytogenetic location: 5q14.3.
Variant type: single nucleotide variant.
Coding change: c.1504A>G on transcript NM_004385.5 (MANE Select); coding-DNA position 1504, A replaced by G.
Protein change: p.Met502Val; replaces methionine 502 with valine.
Molecular consequence: missense variant. On other transcripts: intron variant (2).
Genome position (GRCh38, 1-based): chr5:83,519,810, A>G. VCF-style: chr5-83519810-A-G. GRCh37 (hg19) VCF-style: chr5-82815629-A-G.
Other names: c.1504A>G, p.Met502Val (NM_001164098.2); c.1042+7414A>G (NM_001164097.2, NM_001126336.3); short protein forms M502V.
Identifiers: ClinVar variation 1486483 (VCV001486483.8), dbSNP rs138021051, ClinGen allele CA3332689.